The following is an entry in ClinVar:

ClinVar aggregate classification (germline): Uncertain significance (1 of 4 stars; one submission).

Submission:

Dasa
Classification: Uncertain significance. Last evaluated: 2026-01-02. Review status: criteria provided, single submitter. Criteria: DASA Assertion Criteria. Collection method: clinical testing. Allele origin: germline.
Comment: NM_002234.4(KCNA5):c.173G>A (p.Arg58Lys) is a missense variant that results in the substitution of arginine with lysine. This variant is rare in population databases. The currently available literature and clinical evidence are not sufficient to establish a definitive association between this variant and the reported condition. Therefore, this variant is classified as a variant of uncertain significance.

NM_002234.4(KCNA5):c.173G>A (p.Arg58Lys)

Gene: KCNA5 (potassium voltage-gated channel subfamily A member 5; plus strand). Cytogenetic location: 12p13.32.
Variant type: single nucleotide variant.
Coding change: c.173G>A on transcript NM_002234.4 (MANE Select); coding-DNA position 173, G replaced by A.
Protein change: p.Arg58Lys; replaces arginine 58 with lysine.
Molecular consequence: missense variant.
Genome position (GRCh38, 1-based): chr12:5,044,320, G>A. VCF-style: chr12-5044320-G-A. GRCh37 (hg19) VCF-style: chr12-5153486-G-A.
Other names: short protein forms R58K.
Identifiers: ClinVar variation 5020745 (VCV005020745.1).